The following is an entry in ClinVar:

ClinVar aggregate classification (germline): Uncertain significance. Review status: criteria provided, multiple submitters, no conflicts (2 of 4 stars). 3 submissions from 3 submitters: Uncertain significance (3). Last evaluated 2024-06-03.

Conditions:
Myofibrillar myopathy 5. Also called: Filaminopathy (type); FILAMINOPATHY, AUTOSOMAL DOMINANT. Identifiers: Orphanet 171445, MedGen C1836050, MONDO:0012289, OMIM 609524.
Distal myopathy with posterior leg and anterior hand involvement. Also called: WILLIAMS DISTAL MYOPATHY. Identifiers: Orphanet 63273, MedGen C3279722, MONDO:0013550, OMIM 614065.
Hypertrophic cardiomyopathy 26. Also called: Cardiomyopathy, familial hypertrophic, 26. Identifiers: Orphanet 75249, MedGen C4310749, MONDO:0014883, OMIM 617047.

Allele frequency attached by ClinVar (database versions not stated): ExAC 0.00001.
gnomAD v4.1: 4 of 1,614,160 alleles (0.00025%); highest among the groups gnomAD compares: Non-Finnish European, 0.00034%; no homozygotes.

Submissions (3):

Labcorp Genetics (formerly Invitae), Labcorp
Classification: Uncertain significance for Distal myopathy with posterior leg and anterior hand involvement; Myofibrillar myopathy 5; Hypertrophic cardiomyopathy 26. Last evaluated: 2024-06-03. Review status: criteria provided, single submitter. Criteria: Invitae Variant Classification Sherloc (09022015). Collection method: clinical testing. Allele origin: germline.
Comment: This sequence change replaces aspartic acid, which is acidic and polar, with asparagine, which is neutral and polar, at codon 1595 of the FLNC protein (p.Asp1595Asn). This variant is present in population databases (rs780133859, gnomAD 0.0009%). This variant has not been reported in the literature in individuals affected with FLNC-related conditions. ClinVar contains an entry for this variant (Variation ID: 1372802). Advanced modeling of protein sequence and biophysical properties (such as structural, functional, and spatial information, amino acid conservation, physicochemical variation, residue mobility, and thermodynamic stability) has been performed at Invitae for this missense variant, however the output from this modeling did not meet the statistical confidence thresholds required to predict the impact of this variant on FLNC protein function. In summary, the available evidence is currently insufficient to determine the role of this variant in disease. Therefore, it has been classified as a Variant of Uncertain Significance.

GeneDx
Classification: Uncertain significance. Last evaluated: 2024-01-03. Review status: criteria provided, single submitter. Criteria: GeneDx Variant Classification Process June 2021. Collection method: clinical testing. Allele origin: germline. Affected: yes.
Comment: Not observed at significant frequency in large population cohorts (gnomAD); In silico analysis supports that this missense variant has a deleterious effect on protein structure/function; Has not been previously published as pathogenic or benign to our knowledge

Revvity Omics, Revvity
Classification: Uncertain significance. Last evaluated: 2019-09-06. Review status: criteria provided, single submitter. Criteria: ACMG Guidelines, 2015. Collection method: clinical testing. Allele origin: germline.

NM_001458.5(FLNC):c.4783G>A (p.Asp1595Asn)

Gene: FLNC (filamin C; plus strand). Cytogenetic location: 7q32.1.
Variant type: single nucleotide variant.
Coding change: c.4783G>A on transcript NM_001458.5 (MANE Select); coding-DNA position 4783, G replaced by A.
Protein change: p.Asp1595Asn; replaces aspartic acid 1595 with asparagine.
Molecular consequence: missense variant.
Genome position (GRCh38, 1-based): chr7:128,848,838, G>A. VCF-style: chr7-128848838-G-A. GRCh37 (hg19) VCF-style: chr7-128488892-G-A.
Other names: c.4783G>A (NM_001458.4); c.4783G>A, p.Asp1595Asn (NM_001127487.2); short protein forms D1595N.
Identifiers: ClinVar variation 1372802 (VCV001372802.8), dbSNP rs780133859, ClinGen allele CA4475457.